The following is an entry in ClinVar:

NM_032043.3(BRIP1):c.2535G>A (p.Val845=)

Gene: BRIP1 (BRCA1 interacting DNA helicase 1; minus strand). Cytogenetic location: 17q23.2.
Variant type: single nucleotide variant.
Coding change: c.2535G>A on transcript NM_032043.3 (MANE Select); coding-DNA position 2535, G replaced by A.
Protein change: p.Val845=; no amino-acid change (valine 845 retained).
Molecular consequence: synonymous variant.
Genome position (GRCh38, 1-based): chr17:61,693,470, C>T on the plus strand (G>A on the coding strand, the complement: BRIP1 is on the minus strand). VCF-style: chr17-61693470-C-T. GRCh37 (hg19) VCF-style: chr17-59770831-C-T.
Identifiers: ClinVar variation 530318 (VCV000530318.13), dbSNP rs1555574772, ClinGen allele CA501144666.

ClinVar aggregate classification (germline): Conflicting classifications of pathogenicity. Review status: criteria provided, conflicting classifications (1 of 4 stars). 3 submissions from 3 submitters: Uncertain significance (1); Benign (1); Likely benign (1). Last evaluated 2024-09-05.

Conditions:
Hereditary cancer-predisposing syndrome. Also called: Neoplastic Syndromes, Hereditary; Hereditary neoplastic syndrome; Tumor predisposition; Hereditary Cancer Syndrome. Identifiers: Orphanet 140162, MedGen C0027672, MeSH D009386, MONDO:0015356.
Familial cancer of breast. Also called: BREAST CANCER, FAMILIAL; hereditary breast carcinoma; Hereditary breast cancer. Identifiers: Orphanet 227535, MedGen C0346153, MONDO:0016419, OMIM 114480. Disease mechanism: loss of function.
Fanconi anemia complementation group J. Also called: BRIP1-Related Fanconi Anemia. Identifiers: Orphanet 84, MedGen C1836860, MONDO:0012187, OMIM 609054.

Allele frequency attached by ClinVar (database versions not stated): gnomAD 0.00001.
gnomAD v4.1: 1 of 1,613,526 alleles (0.000062%); highest among the groups gnomAD compares: Non-Finnish European, 0.000085%; no homozygotes.

Submissions (3):

Myriad Genetics, Inc.
Classification: Benign for Familial cancer of breast. Last evaluated: 2024-09-05. Review status: criteria provided, single submitter. Criteria: Myriad Autosomal Dominant, Autosomal Recessive and X-Linked Classification Criteria (2023). Collection method: clinical testing. Allele origin: unknown.
Comment: This variant is considered benign. This variant is a silent/synonymous amino acid change and it is not expected to impact splicing.

Ambry Genetics
Classification: Likely benign for Hereditary cancer-predisposing syndrome. Last evaluated: 2021-10-03. Review status: criteria provided, single submitter. Criteria: Ambry Variant Classification Scheme 2023. Collection method: clinical testing. Allele origin: germline.

Labcorp Genetics (formerly Invitae), Labcorp
Classification: Uncertain significance for Familial cancer of breast; Fanconi anemia complementation group J. Last evaluated: 2017-12-23. Review status: criteria provided, single submitter. Criteria: Invitae Variant Classification Sherloc (09022015). Collection method: clinical testing. Allele origin: germline.
Comment: This sequence change affects codon 845 of the BRIP1 mRNA. It is a 'silent' change, meaning that it does not change the encoded amino acid sequence of the BRIP1 protein. This variant is not present in population databases (ExAC no frequency). This variant has not been reported in the literature in individuals with BRIP1-related disease. Algorithms developed to predict the effect of sequence changes on RNA splicing suggest that this variant may create or strengthen a splice site, but this prediction has not been confirmed by published transcriptional studies. In summary, the available evidence is currently insufficient to determine the role of this variant in disease. Therefore, it has been classified as a Variant of Uncertain Significance.